The following is an entry in ClinVar:

ClinVar aggregate classification (germline): Uncertain significance (1 of 4 stars; one submission).

Conditions:
Inborn genetic diseases. Identifiers: MedGen C0950123, MeSH D030342.

gnomAD v4.1: 1 of 1,614,186 alleles (0.000062%); highest among the groups gnomAD compares: Non-Finnish European, 0.000085%; no homozygotes.

Submission:

Ambry Genetics
Classification: Uncertain significance for Inborn genetic diseases. Last evaluated: 2024-12-08. Review status: criteria provided, single submitter. Criteria: Ambry Variant Classification Scheme 2023. Collection method: clinical testing. Allele origin: germline.
Comment: The p.D415H variant (also known as c.1243G>C), located in coding exon 12 of the ASXL1 gene, results from a G to C substitution at nucleotide position 1243. The aspartic acid at codon 415 is replaced by histidine, an amino acid with similar properties. This amino acid position is conserved. In addition, this alteration is predicted to be tolerated by in silico analysis. Based on the available evidence, the clinical significance of this variant remains unclear.

NM_015338.6(ASXL1):c.1243G>C (p.Asp415His)

Gene: ASXL1 (ASXL transcriptional regulator 1; plus strand). Cytogenetic location: 20q11.21.
Variant type: single nucleotide variant.
Coding change: c.1243G>C on transcript NM_015338.6 (MANE Select); coding-DNA position 1243, G replaced by C.
Protein change: p.Asp415His; replaces aspartic acid 415 with histidine.
Molecular consequence: missense variant.
Genome position (GRCh38, 1-based): chr20:32,433,441, G>C. VCF-style: chr20-32433441-G-C. GRCh37 (hg19) VCF-style: chr20-31021244-G-C.
Other names: c.1060G>C, p.Asp354His (NM_001363734.1); short protein forms D354H, D415H.
Identifiers: ClinVar variation 3439707 (VCV003439707.1).